The following is an entry in ClinVar:

NM_006492.3(ALX3):c.181C>G (p.Leu61Val)

Gene: ALX3 (ALX homeobox 3; minus strand). Cytogenetic location: 1p13.3.
Variant type: single nucleotide variant.
Coding change: c.181C>G on transcript NM_006492.3 (MANE Select); coding-DNA position 181, C replaced by G.
Protein change: p.Leu61Val; replaces leucine 61 with valine.
Molecular consequence: missense variant.
Genome position (GRCh38, 1-based): chr1:110,070,432, G>C on the plus strand (C>G on the coding strand, the complement: ALX3 is on the minus strand). VCF-style: chr1-110070432-G-C. GRCh37 (hg19) VCF-style: chr1-110613054-G-C.
Other names: short protein forms L61V.
Identifiers: ClinVar variation 2832151 (VCV002832151.3), dbSNP rs2524446621, ClinGen allele CA341587485.

ClinVar aggregate classification (germline): Uncertain significance (1 of 4 stars; one submission).

Submission:

Labcorp Genetics (formerly Invitae), Labcorp
Classification: Uncertain significance. Last evaluated: 2024-02-23. Review status: criteria provided, single submitter. Criteria: Invitae Variant Classification Sherloc (09022015). Collection method: clinical testing. Allele origin: germline.
Comment: This sequence change replaces leucine, which is neutral and non-polar, with valine, which is neutral and non-polar, at codon 61 of the ALX3 protein (p.Leu61Val). This variant is not present in population databases (gnomAD no frequency). This variant has not been reported in the literature in individuals affected with ALX3-related conditions. An algorithm developed to predict the effect of missense changes on protein structure and function (PolyPhen-2) suggests that this variant is likely to be tolerated. In summary, the available evidence is currently insufficient to determine the role of this variant in disease. Therefore, it has been classified as a Variant of Uncertain Significance.